The following is an entry in ClinVar:

NM_001099274.3(TINF2):c.1288C>A (p.Pro430Thr)

Gene: TINF2 (TERF1 interacting nuclear factor 2; minus strand). Cytogenetic location: 14q12.
Variant type: single nucleotide variant.
Coding change: c.1288C>A on transcript NM_001099274.3 (MANE Select); coding-DNA position 1288, C replaced by A.
Protein change: p.Pro430Thr; replaces proline 430 with threonine.
Molecular consequence: missense variant. On other transcripts: 3 prime UTR variant (1).
Genome position (GRCh38, 1-based): chr14:24,239,865, G>T on the plus strand (C>A on the coding strand, the complement: TINF2 is on the minus strand). VCF-style: chr14-24239865-G-T. GRCh37 (hg19) VCF-style: chr14-24709071-G-T.
Other names: c.1183C>A, p.Pro395Thr (NM_001363668.2); c.*550C>A (NM_012461.3); short protein forms P430T, P395T.
Identifiers: ClinVar variation 862199 (VCV000862199.10), dbSNP rs374776408, ClinGen allele CA389219827.

ClinVar aggregate classification (germline): Uncertain significance. Review status: criteria provided, multiple submitters, no conflicts (2 of 4 stars). 2 submissions from 2 submitters: Uncertain significance (2). Last evaluated 2023-05-02.

Conditions:
Dyskeratosis congenita. Identifiers: Orphanet 1775, MedGen C0265965, MONDO:0015780.

Submissions (2):

Labcorp Genetics (formerly Invitae), Labcorp
Classification: Uncertain significance for Dyskeratosis congenita. Last evaluated: 2023-05-02. Review status: criteria provided, single submitter. Criteria: Invitae Variant Classification Sherloc (09022015). Collection method: clinical testing. Allele origin: germline.
Comment: In summary, the available evidence is currently insufficient to determine the role of this variant in disease. Therefore, it has been classified as a Variant of Uncertain Significance. An algorithm developed to predict the effect of missense changes on protein structure and function (PolyPhen-2) suggests that this variant is likely to be disruptive. ClinVar contains an entry for this variant (Variation ID: 862199). This variant has not been reported in the literature in individuals affected with TINF2-related conditions. This variant is not present in population databases (gnomAD no frequency). This sequence change replaces proline, which is neutral and non-polar, with threonine, which is neutral and polar, at codon 430 of the TINF2 protein (p.Pro430Thr).

Sema4
Classification: Uncertain significance for Dyskeratosis congenita. Last evaluated: 2022-02-16. Review status: criteria provided, single submitter. Criteria: Sema4 Curation Guidelines. Collection method: curation. Allele origin: germline.
Comment: The TINF2 c.1288C>A (p.P430T) variant has not been reported in the literature to our knowledge. This variant is not reported in the population database Genome Aggregation Database (PMID: 32461654). The variant has been reported in ClinVar (Variation ID 862199). Functional studies have not been performed, and in silico predictions of the variant's effect on protein function are inconclusive. The evidence is insufficient to meet ACMG/AMP criteria for classifying the variant as benign or pathogenic. Thus, the clinical significance of this variant is currently uncertain.